The following is an entry in ClinVar:

ClinVar aggregate classification (germline): Pathogenic (1 of 4 stars; one submission).

Conditions:
Autosomal recessive limb-girdle muscular dystrophy type 2A (LGMDR1). Also called: LEYDEN-MOEBIUS MUSCULAR DYSTROPHY; MUSCULAR DYSTROPHY, PELVOFEMORAL; Limb-girdle muscular dystrophy, type 2A; Calpainopathy; Muscular dystrophy, limb-girdle, type 2A, Amish. Identifiers: Orphanet 267, MedGen C1869123, MONDO:0009675, OMIM 253600. Disease mechanism: loss of function.

Submission:

Labcorp Genetics (formerly Invitae), Labcorp
Classification: Pathogenic for Autosomal recessive limb-girdle muscular dystrophy type 2A. Last evaluated: 2019-05-31. Review status: criteria provided, single submitter. Criteria: Invitae Variant Classification Sherloc (09022015). Collection method: clinical testing. Allele origin: germline.
Comment: This sequence change creates a premature translational stop signal (p.Ile149Tyrfs*30) in the CAPN3 gene. It is expected to result in an absent or disrupted protein product. For these reasons, this variant has been classified as Pathogenic. Loss-of-function variants in CAPN3 are known to be pathogenic (PMID: 10330340, 15689361). This variant has not been reported in the literature in individuals with CAPN3-related conditions. This variant is not present in population databases (ExAC no frequency).

Literature cited by the submitters: PubMed 10330340; PubMed 15689361.

NM_000070.3(CAPN3):c.444del (p.Ile149fs)

Genes: CAPN3 (calpain 3; plus strand), LOC126862115 (BRD4-independent group 4 enhancer GRCh37_chr15:42677734-42678933; plus strand). Cytogenetic location: 15q15.1.
Variant type: Deletion.
Coding change: c.444del on transcript NM_000070.3 (MANE Select); coding-DNA position 444, one base deleted (C; older notation c.444delC).
Protein change: p.Ile149fs; shifts the reading frame from isoleucine 149.
Molecular consequence: frameshift variant.
Genome position (GRCh38, 1-based): chr15:42,386,231, C deleted. VCF-style (leftmost placement, unchanged base first): chr15-42386230-TC-T. GRCh37 (hg19) VCF-style: chr15-42678428-TC-T.
Other names: c.444del, p.Ile149fs (NM_024344.2, NM_173087.2); short protein forms I149fs.
Identifiers: ClinVar variation 837974 (VCV000837974.8), dbSNP rs2053401167, ClinGen allele CA916083416.